The following is an entry in ClinVar:

NM_001080421.3(UNC13A):c.65C>T (p.Thr22Met)

Gene: UNC13A (unc-13 homolog A; minus strand). Cytogenetic location: 19p13.11.
Variant type: single nucleotide variant.
Coding change: c.65C>T on transcript NM_001080421.3 (MANE Select); coding-DNA position 65, C replaced by T.
Protein change: p.Thr22Met; replaces threonine 22 with methionine.
Molecular consequence: missense variant.
Genome position (GRCh38, 1-based): chr19:17,674,744, G>A on the plus strand (C>T on the coding strand, the complement: UNC13A is on the minus strand). VCF-style: chr19-17674744-G-A. GRCh37 (hg19) VCF-style: chr19-17785553-G-A.
Other names: c.65C>T, p.Thr22Met (NM_001387021.1, NM_001387022.1, NM_001387023.1); short protein forms T22M.
Identifiers: ClinVar variation 4991768 (VCV004991768.1).

ClinVar aggregate classification (germline): Uncertain significance (1 of 4 stars; one submission).

Conditions:
UNC13A-related disorder. Also called: UNC13A-related condition.

gnomAD v4.1: 2 of 1,613,952 alleles (0.00012%); highest among the groups gnomAD compares: Non-Finnish European, 0.000085%; no homozygotes.

Submission:

PreventionGenetics, part of Exact Sciences
Classification: Uncertain significance for UNC13A-related condition. Last evaluated: 2026-06-27. Review status: criteria provided, single submitter. Criteria: ACMG Guidelines, 2015. Collection method: clinical testing. Allele origin: germline.
Comment: The UNC13A c.65C>T variant is predicted to result in the amino acid substitution p.Thr22Met. To our knowledge, this variant has not been reported in the literature. This variant is reported in 0.00089% of alleles in individuals of European (Non-Finnish) descent in gnomAD. At this time, the clinical significance of this variant is uncertain due to the absence of conclusive functional and genetic evidence.